The following is an entry in ClinVar:

ClinVar aggregate classification (germline): Conflicting classifications of pathogenicity. Review status: criteria provided, conflicting classifications (1 of 4 stars). 3 submissions from 3 submitters: Uncertain significance (2); Likely benign (1). Last evaluated 2024-09-05.

Allele frequency attached by ClinVar (database versions not stated): TOPMed below 0.00001; gnomAD exomes 0.00031 and 0.00013; ExAC 0.00212; gnomAD 0.00001 and 0.00006; 1000 Genomes Project 0.00020; 1000 Genomes Project 30x 0.00031.
gnomAD v4.1: 180 of 1,512,938 alleles (0.012%); highest among the groups gnomAD compares: South Asian, 0.22%; 2 homozygotes.

Submissions (3):

Blueprint Genetics
Classification: Uncertain significance. Last evaluated: 2024-09-05. Review status: criteria provided, single submitter. Criteria: ACMG Guidelines, 2015. Collection method: clinical testing. Allele origin: germline.

CeGaT Center for Human Genetics Tuebingen
Classification: Likely benign. Last evaluated: 2023-06-01. Review status: criteria provided, single submitter. Criteria: CeGaT Center For Human Genetics Tuebingen Variant Classification Criteria Version 2. Collection method: clinical testing. Allele origin: germline. Affected: yes. Observed: 1 variant allele.
Comment: PDZD7: BP4

Labcorp Genetics (formerly Invitae), Labcorp
Classification: Uncertain significance. Last evaluated: 2022-08-09. Review status: criteria provided, single submitter. Criteria: Invitae Variant Classification Sherloc (09022015). Collection method: clinical testing. Allele origin: germline.
Comment: This sequence change replaces arginine, which is basic and polar, with tryptophan, which is neutral and slightly polar, at codon 767 of the PDZD7 protein (p.Arg767Trp). This variant is present in population databases (rs562444438, gnomAD 0.2%), including at least one homozygous and/or hemizygous individual. This variant has not been reported in the literature in individuals affected with PDZD7-related conditions. ClinVar contains an entry for this variant (Variation ID: 966669). Algorithms developed to predict the effect of missense changes on protein structure and function are either unavailable or do not agree on the potential impact of this missense change (SIFT: "Deleterious"; PolyPhen-2: "Not Available"; Align-GVGD: "Class C0"). In summary, the available evidence is currently insufficient to determine the role of this variant in disease. Therefore, it has been classified as a Variant of Uncertain Significance.

NM_001195263.2(PDZD7):c.2299C>T (p.Arg767Trp)

Gene: PDZD7 (PDZ domain containing 7; minus strand). Cytogenetic location: 10q24.31.
Variant type: single nucleotide variant.
Coding change: c.2299C>T on transcript NM_001195263.2 (MANE Select); coding-DNA position 2299, C replaced by T.
Protein change: p.Arg767Trp; replaces arginine 767 with tryptophan.
Molecular consequence: missense variant.
Genome position (GRCh38, 1-based): chr10:101,010,590, G>A on the plus strand (C>T on the coding strand, the complement: PDZD7 is on the minus strand). VCF-style: chr10-101010590-G-A. GRCh37 (hg19) VCF-style: chr10-102770347-G-A.
Other names: short protein forms R767W.
Identifiers: ClinVar variation 966669 (VCV000966669.29), dbSNP rs562444438, ClinGen allele CA5653989.